The following is an entry in ClinVar:

NM_000038.6(APC):c.1242C>A (p.Arg414=)

Gene: APC (APC regulator of Wnt signaling pathway; plus strand). Cytogenetic location: 5q22.2.
Variant type: single nucleotide variant.
Coding change: c.1242C>A on transcript NM_000038.6 (MANE Select); coding-DNA position 1242, C replaced by A.
Protein change: p.Arg414=; no amino-acid change (arginine 414 retained).
Molecular consequence: synonymous variant. On other transcripts: non-coding transcript variant (2).
Genome position (GRCh38, 1-based): chr5:112,819,274, C>A. VCF-style: chr5-112819274-C-A. GRCh37 (hg19) VCF-style: chr5-112154971-C-A.
Other names: c.1242C>A, p.Arg414= (NM_001127510.3, NM_001354895.2, NM_001354896.2 and 4 more transcripts); c.1188C>A, p.Arg396= (NM_001127511.3); c.1272C>A, p.Arg424= (NM_001354897.2, NM_001407446.1); c.1167C>A, p.Arg389= (NM_001354898.2, NM_001407451.1); c.1158C>A, p.Arg386= (NM_001354899.2, NM_001407452.1); c.1065C>A, p.Arg355= (NM_001354900.2, NM_001354901.2, NM_001407453.1); c.969C>A, p.Arg323= (NM_001354902.2); c.939C>A, p.Arg313= (NM_001354903.2, NM_001407454.1, NM_001407455.1 and 5 more transcripts); and 5 more.
Identifiers: ClinVar variation 1758558 (VCV001758558.10), dbSNP rs751423790, ClinGen allele CA445960371.

ClinVar aggregate classification (germline): Likely benign. Review status: criteria provided, multiple submitters, no conflicts (2 of 4 stars). 2 submissions from 2 submitters: Likely benign (2). Last evaluated 2025-08-01.

Conditions:
Hereditary cancer-predisposing syndrome. Also called: Hereditary neoplastic syndrome; Neoplastic Syndromes, Hereditary; Tumor predisposition; Hereditary Cancer Syndrome. Identifiers: Orphanet 140162, MedGen C0027672, MeSH D009386, MONDO:0015356.

Submissions (2):

CeGaT Center for Human Genetics Tuebingen
Classification: Likely benign. Last evaluated: 2025-08-01. Review status: criteria provided, single submitter. Criteria: CeGaT Center For Human Genetics Tuebingen Variant Classification Criteria Version 2. Collection method: clinical testing. Allele origin: germline. Affected: yes. Observed: 1 variant allele.
Comment: APC: PM2:Supporting, BP4, BP7

Ambry Genetics
Classification: Likely benign for Hereditary cancer-predisposing syndrome. Last evaluated: 2020-06-10. Review status: criteria provided, single submitter. Criteria: Ambry Variant Classification Scheme 2023. Collection method: clinical testing. Allele origin: germline.